The following is an entry in ClinVar:

ClinVar aggregate classification (germline): Pathogenic (1 of 4 stars; one submission).

Conditions:
Spastic paraplegia. Identifiers: MedGen C0037772, HP:0001258.

Submission:

Labcorp Genetics (formerly Invitae), Labcorp
Classification: Pathogenic for Spastic paraplegia. Last evaluated: 2022-10-13. Review status: criteria provided, single submitter. Criteria: Invitae Variant Classification Sherloc (09022015). Collection method: clinical testing. Allele origin: germline.
Comment: This variant is not present in population databases (gnomAD no frequency). This sequence change creates a premature translational stop signal (p.Tyr80*) in the FA2H gene. It is expected to result in an absent or disrupted protein product. Loss-of-function variants in FA2H are known to be pathogenic (PMID: 20853438, 25496456, 25732363, 26344562). This variant has not been reported in the literature in individuals affected with FA2H-related conditions. ClinVar contains an entry for this variant (Variation ID: 1435993). Algorithms developed to predict the effect of sequence changes on RNA splicing suggest that this variant may create or strengthen a splice site. For these reasons, this variant has been classified as Pathogenic.

Literature cited by the submitters: PubMed 20853438; PubMed 25496456; PubMed 25732363; PubMed 26344562.

NM_024306.5(FA2H):c.240C>G (p.Tyr80Ter)

Gene: FA2H (fatty acid 2-hydroxylase; minus strand). Cytogenetic location: 16q23.1.
Variant type: single nucleotide variant.
Coding change: c.240C>G on transcript NM_024306.5 (MANE Select); coding-DNA position 240, C replaced by G.
Protein change: p.Tyr80Ter; replaces tyrosine 80 with a stop codon.
Molecular consequence: nonsense.
Genome position (GRCh38, 1-based): chr16:74,774,516, G>C on the plus strand (C>G on the coding strand, the complement: FA2H is on the minus strand). VCF-style: chr16-74774516-G-C. GRCh37 (hg19) VCF-style: chr16-74808414-G-C.
Other names: short protein forms Y80*.
Identifiers: ClinVar variation 1435993 (VCV001435993.6), dbSNP rs2144672293, ClinGen allele CA396768117.
Genomic context (GRCh38, chr16:74,774,516, plus strand): 5'-TTGGGGTGGGGGGCCCCGGCCCGGCTGTACCTGCTGCTCCCCGCGGAGCTCTCCCACGTA[G>C]TACTGCTCCAGCCAGCGGCGCGCGTTGGCCGAGTGCCTGTGCGGCGGCCCGTCCAGGTCG-3'